The following is an entry in ClinVar:

NM_139076.3(ABRAXAS1):c.864dup (p.Pro289fs)

Gene: ABRAXAS1 (abraxas 1, BRCA1 A complex subunit; minus strand). Cytogenetic location: 4q21.23.
Variant type: Duplication.
Coding change: c.864dup on transcript NM_139076.3 (MANE Select); coding-DNA position 864, one base duplicated (T; older notation c.864dupT).
Protein change: p.Pro289fs; shifts the reading frame from proline 289.
Molecular consequence: frameshift variant.
Genome position (GRCh38, 1-based): chr4:83,462,835, A duplicated on the plus strand (T on the coding strand, the reverse complement: ABRAXAS1 is on the minus strand); the first of 6 consecutive A bases (chr4:83,462,835-83,462,840); duplicating any one gives the same sequence. VCF-style (leftmost placement, unchanged base first): chr4-83462834-G-GA. GRCh37 (hg19) VCF-style: chr4-84383987-G-GA.
Other names: c.537dup, p.Pro180fs (NM_001345962.2); short protein forms P180fs, P289fs.
Identifiers: ClinVar variation 1046120 (VCV001046120.6), dbSNP rs35378950, ClinGen allele CA2990420.

ClinVar aggregate classification (germline): Uncertain significance (1 of 4 stars; one submission).

Submission:

Labcorp Genetics (formerly Invitae), Labcorp
Classification: Uncertain significance. Last evaluated: 2020-02-20. Review status: criteria provided, single submitter. Criteria: Invitae Variant Classification Sherloc (09022015). Collection method: clinical testing. Allele origin: germline.
Comment: In summary, the available evidence is currently insufficient to determine the role of this variant in disease. Therefore, it has been classified as a Variant of Uncertain Significance. Experimental studies and prediction algorithms are not available or were not evaluated, and the functional significance of this variant is currently unknown. The current clinical and genetic evidence is not sufficient to establish whether loss-of-function variants in ABRAXAS1 cause disease. This variant has not been reported in the literature in individuals with ABRAXAS1-related conditions. This variant is present in population databases (rs757188204, ExAC 0.01%). This sequence change results in a premature translational stop signal in the ABRAXAS1 gene (p.Pro289Serfs*4). While this is not anticipated to result in nonsense mediated decay, it is expected to disrupt the last 121 amino acids of the ABRAXAS1 protein.